The following is an entry in ClinVar:

ClinVar aggregate classification (germline): Uncertain significance (1 of 4 stars; one submission).

Submission:

Labcorp Genetics (formerly Invitae), Labcorp
Classification: Uncertain significance. Last evaluated: 2025-11-07. Review status: criteria provided, single submitter. Criteria: Invitae Variant Classification Sherloc (09022015). Collection method: clinical testing. Allele origin: germline.
Comment: This sequence change replaces valine, which is neutral and non-polar, with isoleucine, which is neutral and non-polar, at codon 139 of the RALA protein (p.Val139Ile). This variant is not present in population databases (gnomAD no frequency). This variant has not been reported in the literature in individuals affected with RALA-related conditions. Invitae Evidence Modeling of protein sequence and biophysical properties (such as structural, functional, and spatial information, amino acid conservation, physicochemical variation, residue mobility, and thermodynamic stability) indicates that this missense variant is not expected to disrupt RALA protein function with a negative predictive value of 95%. In summary, the available evidence is currently insufficient to determine the role of this variant in disease. Therefore, it has been classified as a Variant of Uncertain Significance.

NM_005402.4(RALA):c.415G>A (p.Val139Ile)

Gene: RALA (RAS like proto-oncogene A; plus strand). Cytogenetic location: 7p14.1.
Variant type: single nucleotide variant.
Coding change: c.415G>A on transcript NM_005402.4 (MANE Select); coding-DNA position 415, G replaced by A.
Protein change: p.Val139Ile; replaces valine 139 with isoleucine.
Molecular consequence: missense variant.
Genome position (GRCh38, 1-based): chr7:39,696,776, G>A. VCF-style: chr7-39696776-G-A. GRCh37 (hg19) VCF-style: chr7-39736375-G-A.
Other names: short protein forms V139I.
Identifiers: ClinVar variation 4702466 (VCV004702466.1).